The following is an entry in ClinVar:

NM_007294.4(BRCA1):c.230delinsGTCAACTTGTT (p.Thr77fs)

Gene: BRCA1 (BRCA1 DNA repair associated; minus strand). Cytogenetic location: 17q21.31.
Variant type: Indel.
Coding change: c.230delinsGTCAACTTGTT on transcript NM_007294.4 (MANE Select); coding-DNA position 230, C replaced by GTCAACTTGTT.
Protein change: p.Thr77fs; shifts the reading frame from threonine 77.
Molecular consequence: frameshift variant. On other transcripts: non-coding transcript variant (1).
Genome position (GRCh38, 1-based): chr17:43,104,939, G replaced by AACAAGTTGAC on the plus strand (C replaced by GTCAACTTGTT on the coding strand, the reverse complement: BRCA1 is on the minus strand). VCF-style: chr17-43104939-G-AACAAGTTGAC. GRCh37 (hg19) VCF-style: chr17-41256956-G-AACAAGTTGAC.
Other names: c.89delCinsGTCAACTTGTT, p.Thr30Serfs (NM_001408499.1, NM_001408500.1, NM_001408501.1 and 98 more transcripts); c.20delCinsGTCAACTTGTT, p.Thr7Serfs (NM_001408502.1, NM_001408506.1, NM_001408507.1 and 58 more transcripts); c.-152delCinsGTCAACTTGTT (NM_001408510.1, NM_001408512.1, NM_001407959.1 and 4 more transcripts); c.89delinsGTCAACTTGTT, p.Thr30fs (NM_007297.4); c.230delCinsGTCAACTTGTT, p.Thr77Serfs (NM_007298.4, NM_007304.2, NM_001407632.1 and 166 more transcripts); c.230delinsGTCAACTTGTT, p.Thr77fs (NM_007299.4, NM_007300.4); c.152delCinsGTCAACTTGTT, p.Thr51Serfs (NM_001407653.1, NM_001407654.1, NM_001407655.1 and 21 more transcripts); c.98delCinsGTCAACTTGTT, p.Thr33Serfs (NM_001408451.1); short protein forms T77fs, T30fs.
Identifiers: ClinVar variation 54530 (VCV000054530.2), dbSNP rs397508957, ClinGen allele CA327807.

ClinVar aggregate classification (germline): Pathogenic. Review status: reviewed by expert panel (3 of 4 stars). 2 submissions from 2 submitters: Pathogenic (1). 1 of the submissions does not count toward it. Last evaluated 2017-12-15.

Conditions:
Breast-ovarian cancer, familial, susceptibility to, 1 (BROVCA1). Also called: OVARIAN CANCER, SUSCEPTIBILITY TO; BRCA1 Hereditary Breast and Ovarian Cancer. Identifiers: Orphanet 145, MedGen C2676676, MONDO:0011450, OMIM 604370. Disease mechanism: loss of function.
Familial cancer of breast. Also called: Hereditary breast cancer; hereditary breast carcinoma; BREAST CANCER, FAMILIAL. Identifiers: Orphanet 227535, MedGen C0346153, MONDO:0016419, OMIM 114480. Disease mechanism: loss of function.

Submissions (2):

Evidence-based Network for the Interpretation of Germline Mutant Alleles (ENIGMA)
Classification: Pathogenic for Breast-ovarian cancer, familial, susceptibility to, 1. Last evaluated: 2017-12-15. Review status: reviewed by expert panel. Criteria: ENIGMA BRCA1/2 Classification Criteria (2017-06-29). Collection method: curation. Allele origin: germline. Study: ENIGMA.
Comment: Variant allele predicted to encode a truncated non-functional protein.

ClinVar Staff, National Center for Biotechnology Information (NCBI)
No classification provided. Condition: Familial cancer of breast. Review status: no classification provided. Collection method: literature only. Allele origin: germline. Affected: yes. Not counted in ClinVar's aggregate classification.

Literature cited by the submitters: PubMed 10923033 (cited by ClinVar Staff, National Center for Biotechnology Information (NCBI)).